The following is an entry in ClinVar:

NM_015268.4(DNAJC13):c.2736G>A (p.Arg912=)

Gene: DNAJC13 (DnaJ heat shock protein family (Hsp40) member C13; plus strand). Cytogenetic location: 3q22.1.
Variant type: single nucleotide variant.
Coding change: c.2736G>A on transcript NM_015268.4 (MANE Select); coding-DNA position 2736, G replaced by A.
Protein change: p.Arg912=; no amino-acid change (arginine 912 retained).
Molecular consequence: synonymous variant.
Genome position (GRCh38, 1-based): chr3:132,479,253, G>A. VCF-style: chr3-132479253-G-A. GRCh37 (hg19) VCF-style: chr3-132198097-G-A.
Other names: p.Arg912=; c.2751G>A, p.Arg917= (NM_001329126.2).
Identifiers: ClinVar variation 769279 (VCV000769279.31), dbSNP rs61748099, ClinGen allele CA2619073.

ClinVar aggregate classification (germline): Benign/Likely benign. Review status: criteria provided, multiple submitters, no conflicts (2 of 4 stars). 5 submissions from 5 submitters: Benign (4); Likely benign (1). Last evaluated 2024-11-20.

Allele frequency attached by ClinVar (database versions not stated): ExAC 0.00197; gnomAD exomes 0.00197 and 0.00380; TOPMed 0.00222; ESP Exome Variant Server 0.00246; gnomAD 0.00248 and 0.00256.
gnomAD v4.1: 5,939 of 1,608,368 alleles (0.37%); highest among the groups gnomAD compares: Non-Finnish European, 0.47%; 19 homozygotes.

Submissions (5):

Blueprint Genetics
Classification: Likely benign. Last evaluated: 2024-11-20. Review status: criteria provided, single submitter. Criteria: ACMG Guidelines, 2015. Collection method: clinical testing. Allele origin: germline.

CeGaT Center for Human Genetics Tuebingen
Classification: Benign. Last evaluated: 2024-04-01. Review status: criteria provided, single submitter. Criteria: CeGaT Center For Human Genetics Tuebingen Variant Classification Criteria Version 2. Collection method: clinical testing. Allele origin: germline. Affected: yes. Observed: 2 variant alleles.
Comment: DNAJC13: BS1, BS2

Mayo Clinic Laboratories, Mayo Clinic
Classification: Benign. Last evaluated: 2024-01-31. Review status: criteria provided, single submitter. Criteria: ACMG Guidelines, 2015. Collection method: clinical testing. Allele origin: germline. Observed: 2 variant alleles.
Comment: BS1, BS2

Labcorp Genetics (formerly Invitae), Labcorp
Classification: Benign. Last evaluated: 2019-12-31. Review status: criteria provided, single submitter. Criteria: Invitae Variant Classification Sherloc (09022015). Collection method: clinical testing. Allele origin: germline.

Breakthrough Genomics
Classification: Benign. Review status: criteria provided, single submitter. Criteria: ACMG Guidelines, 2015. Collection method: not provided. Allele origin: germline. Inheritance: Unknown mechanism. Affected: yes.